The following is an entry in ClinVar:

ClinVar aggregate classification (germline): Pathogenic. Review status: criteria provided, single submitter (1 of 4 stars). 2 submissions from 2 submitters: Pathogenic (1). 1 of the submissions does not count toward it. Last evaluated 2025-08-08.

Conditions:
Corneal dystrophy. Identifiers: Orphanet 34533, MedGen C0010036, MONDO:0018102, HP:0001131.
Congenital hereditary endothelial dystrophy of cornea. Also called: Congenital hereditary endothelial dystrophy type II; CORNEAL DYSTROPHY, CONGENITAL HEREDITARY ENDOTHELIAL; Corneal endothelial dystrophy, autosomal recessive; Congenital hereditary endothelial dystrophy of the cornea; Maumenee corneal dystrophy. Identifiers: Orphanet 293603, MedGen C1857569, MONDO:0009019, OMIM 217700.

Allele frequency attached by ClinVar (database versions not stated): gnomAD exomes below 0.00001.
gnomAD v4.1: 3 of 1,613,894 alleles (0.00019%); highest among the groups gnomAD compares: South Asian, 0.0022%; no homozygotes.

Submissions (2):

Genetics Laboratory, Great Ormond Street Hospital NHS Foundation Trust, North Thames Genomic Laboratory Hub
Classification: Pathogenic for Corneal dystrophy. Last evaluated: 2025-08-08. Review status: criteria provided, single submitter. Criteria: ACGS Best Practice Guidelines for Variant Classification in Rare Disease 2024 v1.2. Collection method: clinical testing. Allele origin: germline. Affected: yes.
Comment: PM2_moderate, PP3_supporting, PS3_strong, PM3_moderate, PP4_supporting

OMIM
Classification: Pathogenic for CORNEAL ENDOTHELIAL DYSTROPHY. Last evaluated: 2008-03-01. Review status: no assertion criteria provided. Collection method: literature only. Allele origin: germline. Not counted in ClinVar's aggregate classification.

Literature cited by the submitters: PubMed 18024964 (cited by OMIM).

NM_001174089.2(SLC4A11):c.1343G>A (p.Gly448Asp)

Gene: SLC4A11 (solute carrier family 4 member 11; minus strand). Cytogenetic location: 20p13.
Variant type: single nucleotide variant.
Coding change: c.1343G>A on transcript NM_001174089.2 (MANE Select); coding-DNA position 1343, G replaced by A.
Protein change: p.Gly448Asp; replaces glycine 448 with aspartic acid.
Molecular consequence: missense variant. On other transcripts: non-coding transcript variant (1).
Genome position (GRCh38, 1-based): chr20:3,230,587, C>T on the plus strand (G>A on the coding strand, the complement: SLC4A11 is on the minus strand). VCF-style: chr20-3230587-C-T. GRCh37 (hg19) VCF-style: chr20-3211233-C-T.
Other names: c.1472G>A, p.Gly491Asp (NM_001174090.2); c.1229G>A, p.Gly410Asp (NM_001363745.2); c.1391G>A, p.Gly464Asp (NM_032034.4); short protein forms G464D, G448D, G410D, G491D.
Identifiers: ClinVar variation 1306 (VCV000001306.2), dbSNP rs121909389, ClinGen allele CA250437.